The following is an entry in ClinVar:

ClinVar aggregate classification (germline): Uncertain significance (1 of 4 stars; one submission).

Submission:

Labcorp Genetics (formerly Invitae), Labcorp
Classification: Uncertain significance. Last evaluated: 2022-06-22. Review status: criteria provided, single submitter. Criteria: Invitae Variant Classification Sherloc (09022015). Collection method: clinical testing. Allele origin: germline.
Comment: In summary, the available evidence is currently insufficient to determine the role of this variant in disease. Therefore, it has been classified as a Variant of Uncertain Significance. Experimental studies and prediction algorithms are not available or were not evaluated, and the functional significance of this variant is currently unknown. This variant has not been reported in the literature in individuals affected with EXOC6B-related conditions. This variant is not present in population databases (gnomAD no frequency). This sequence change replaces leucine, which is neutral and non-polar, with proline, which is neutral and non-polar, at codon 593 of the EXOC6B protein (p.Leu593Pro).

NM_015189.3(EXOC6B):c.1778T>C (p.Leu593Pro)

Gene: EXOC6B (exocyst complex component 6B; minus strand). Cytogenetic location: 2p13.2.
Variant type: single nucleotide variant.
Coding change: c.1778T>C on transcript NM_015189.3 (MANE Select); coding-DNA position 1778, T replaced by C.
Protein change: p.Leu593Pro; replaces leucine 593 with proline.
Molecular consequence: missense variant. On other transcripts: non-coding transcript variant (2), intron variant (2).
Genome position (GRCh38, 1-based): chr2:72,480,638, A>G on the plus strand (T>C on the coding strand, the complement: EXOC6B is on the minus strand). VCF-style: chr2-72480638-A-G. GRCh37 (hg19) VCF-style: chr2-72707767-A-G.
Other names: c.1778T>C, p.Leu593Pro (NM_001321729.2, NM_001321731.2); c.1439T>C, p.Leu480Pro (NM_001321734.2); c.1665+11680T>C (NM_001321733.2, NM_001321730.2); short protein forms L593P, L480P.
Identifiers: ClinVar variation 2003037 (VCV002003037.4), dbSNP rs2467657644, ClinGen allele CA347428665.